The following is an entry in ClinVar:

ClinVar aggregate classification (germline): Uncertain significance. Review status: criteria provided, multiple submitters, no conflicts (2 of 4 stars). 2 submissions from 2 submitters: Uncertain significance (2). Last evaluated 2024-08-13.

Conditions:
Familial hypocalciuric hypercalcemia (FHH). Also called: Familial benign hypercalcemia. Identifiers: Orphanet 405, MedGen C1809471, MONDO:0018458.
Autosomal dominant hypocalcemia 1 (HYPOC1). Also called: HYPOCALCEMIA, FAMILIAL. Identifiers: MedGen C3715128, MONDO:0011013, OMIM 601198.
Nephrolithiasis/nephrocalcinosis. Identifiers: MedGen CN580796.

Allele frequency attached by ClinVar (database versions not stated): gnomAD exomes below 0.00001; ExAC 0.00001.
gnomAD v4.1: 6 of 1,614,160 alleles (0.00037%); highest among the groups gnomAD compares: East Asian, 0.0089%; no homozygotes.

Submissions (2):

Ambry Genetics
Classification: Uncertain significance for Nephrolithiasis/nephrocalcinosis. Last evaluated: 2024-08-13. Review status: criteria provided, single submitter. Criteria: Ambry Variant Classification Scheme 2023. Collection method: clinical testing. Allele origin: germline.
Comment: The p.G363S variant (also known as c.1087G>A), located in coding exon 3 of the CASR gene, results from a G to A substitution at nucleotide position 1087. The glycine at codon 363 is replaced by serine, an amino acid with similar properties. This amino acid position is not well conserved in available vertebrate species. In addition, this alteration is predicted to be tolerated by in silico analysis. Since supporting evidence is limited at this time, the clinical significance of this alteration remains unclear.

Labcorp Genetics (formerly Invitae), Labcorp
Classification: Uncertain significance for Familial hypocalciuric hypercalcemia; Autosomal dominant hypocalcemia 1. Last evaluated: 2022-04-04. Review status: criteria provided, single submitter. Criteria: Invitae Variant Classification Sherloc (09022015). Collection method: clinical testing. Allele origin: germline.
Comment: This variant is present in population databases (rs757475954, gnomAD 0.0009%). This variant has not been reported in the literature in individuals affected with CASR-related conditions. ClinVar contains an entry for this variant (Variation ID: 532609). Algorithms developed to predict the effect of missense changes on protein structure and function output the following: SIFT: "Deleterious"; PolyPhen-2: "Benign"; Align-GVGD: "Class C0". The serine amino acid residue is found in multiple mammalian species, which suggests that this missense change does not adversely affect protein function. In summary, the available evidence is currently insufficient to determine the role of this variant in disease. Therefore, it has been classified as a Variant of Uncertain Significance. This sequence change replaces glycine, which is neutral and non-polar, with serine, which is neutral and polar, at codon 363 of the CASR protein (p.Gly363Ser).

NM_000388.4(CASR):c.1087G>A (p.Gly363Ser)

Gene: CASR (calcium sensing receptor; plus strand). Cytogenetic location: 3q21.1.
Variant type: single nucleotide variant.
Coding change: c.1087G>A on transcript NM_000388.4 (MANE Select); coding-DNA position 1087, G replaced by A.
Protein change: p.Gly363Ser; replaces glycine 363 with serine.
Molecular consequence: missense variant.
Genome position (GRCh38, 1-based): chr3:122,262,122, G>A. VCF-style: chr3-122262122-G-A. GRCh37 (hg19) VCF-style: chr3-121980969-G-A.
Other names: c.1087G>A, p.Gly363Ser (NM_001178065.2); short protein forms G363S.
Identifiers: ClinVar variation 532609 (VCV000532609.15), dbSNP rs757475954, ClinGen allele CA2569588.